The following is an entry in ClinVar:

ClinVar aggregate classification (germline): Uncertain significance (1 of 4 stars; one submission).

Submission:

GeneDx
Classification: Uncertain significance. Last evaluated: 2022-12-01. Review status: criteria provided, single submitter. Criteria: GeneDx Variant Classification Process June 2021. Collection method: clinical testing. Allele origin: germline. Affected: yes.
Comment: In silico analysis supports that this missense variant has a deleterious effect on protein structure/function; Not observed at significant frequency in large population cohorts (gnomAD); Has not been previously published as pathogenic or benign to our knowledge

NM_001144967.3(NEDD4L):c.2448T>G (p.Phe816Leu)

Gene: NEDD4L (NEDD4 like E3 ubiquitin protein ligase; plus strand). Cytogenetic location: 18q21.31.
Variant type: single nucleotide variant.
Coding change: c.2448T>G on transcript NM_001144967.3 (MANE Select); coding-DNA position 2448, T replaced by G.
Protein change: p.Phe816Leu; replaces phenylalanine 816 with leucine.
Molecular consequence: missense variant.
Genome position (GRCh38, 1-based): chr18:58,385,547, T>G. VCF-style: chr18-58385547-T-G. GRCh37 (hg19) VCF-style: chr18-56052779-T-G.
Other names: c.2085T>G, p.Phe695Leu (NM_001144964.1, NM_001144965.2, NM_001144966.3); c.2424T>G, p.Phe808Leu (NM_001144968.2); c.2364T>G, p.Phe788Leu (NM_001144969.2); c.2025T>G, p.Phe675Leu (NM_001144970.3, NM_001144971.2); c.2256T>G, p.Phe752Leu (NM_001243960.2); c.2388T>G, p.Phe796Leu (NM_015277.6); short protein forms F675L, F695L, F752L, F788L, F796L, F808L, F816L.
Identifiers: ClinVar variation 2504196 (VCV002504196.1), dbSNP rs2518310667, ClinGen allele CA402556258.